The following is an entry in ClinVar:

ClinVar aggregate classification (germline): Uncertain significance. Review status: criteria provided, multiple submitters, no conflicts (2 of 4 stars). 5 submissions from 5 submitters: Uncertain significance (5). Last evaluated 2025-10-21.

Conditions:
Cardiovascular phenotype. Identifiers: MedGen CN230736.
Arrhythmogenic right ventricular cardiomyopathy (ARVD). Also called: Cardiomyopathy, ARVC; Arrhythmogenic right ventricular dysplasia; Arrhythmogenic cardiomyopathy; Arrhythmogenic Right Ventricular Cardiomyopathy (ARVC). Identifiers: Orphanet 247, MedGen C0349788, MeSH D019571, MONDO:0016587. Disease mechanism: loss of function. Inheritance: Various modes of inheritance.
Cardiomyopathy (CMYO). Also called: Cardiomyopathies. Identifiers: Orphanet 167848, MedGen C0878544, MONDO:0004994, HP:0001638. Inheritance: Various modes of inheritance.
Arrhythmogenic right ventricular dysplasia 9 (ARVD9). Also called: Arrhythmogenic Right Ventricular Dysplasia/Cardiomyopathy 9; ARRHYTHMOGENIC RIGHT VENTRICULAR DYSPLASIA, FAMILIAL, 9. Identifiers: MedGen C1836906, MONDO:0012180, OMIM 609040.

Allele frequency attached by ClinVar (database versions not stated): gnomAD 0.00001; ExAC 0.00002; gnomAD exomes 0.00002; TOPMed 0.00003.
gnomAD v4.1: 8 of 1,613,948 alleles (0.0005%); highest among the groups gnomAD compares: African/African-American, 0.008%; no homozygotes.

Submissions (5):

Labcorp Genetics (formerly Invitae), Labcorp
Classification: Uncertain significance for Arrhythmogenic right ventricular dysplasia 9. Last evaluated: 2025-10-21. Review status: criteria provided, single submitter. Criteria: Invitae Variant Classification Sherloc (09022015). Collection method: clinical testing. Allele origin: germline.
Comment: This sequence change replaces leucine, which is neutral and non-polar, with histidine, which is basic and polar, at codon 394 of the PKP2 protein (p.Leu394His). This variant is present in population databases (rs766842360, gnomAD 0.03%). This variant has not been reported in the literature in individuals affected with PKP2-related conditions. ClinVar contains an entry for this variant (Variation ID: 426343). An algorithm developed to predict the effect of missense changes on protein structure and function (PolyPhen-2) suggests that this variant is likely to be disruptive. In summary, the available evidence is currently insufficient to determine the role of this variant in disease. Therefore, it has been classified as a Variant of Uncertain Significance.

GeneDx
Classification: Uncertain significance. Last evaluated: 2025-01-24. Review status: criteria provided, single submitter. Criteria: GeneDx Variant Classification Process June 2021. Collection method: clinical testing. Allele origin: germline. Affected: yes.
Comment: Not observed at significant frequency in large population cohorts (gnomAD); In silico analysis supports that this missense variant has a deleterious effect on protein structure/function; Has not been previously published as pathogenic or benign to our knowledge

Ambry Genetics
Classification: Uncertain significance for Cardiovascular phenotype. Last evaluated: 2024-09-17. Review status: criteria provided, single submitter. Criteria: Ambry Variant Classification Scheme 2023. Collection method: clinical testing. Allele origin: germline.
Comment: The p.L394H variant (also known as c.1181T>A), located in coding exon 5 of the PKP2 gene, results from a T to A substitution at nucleotide position 1181. The leucine at codon 394 is replaced by histidine, an amino acid with similar properties. This amino acid position is conserved. In addition, the in silico prediction for this alteration is inconclusive. Based on the available evidence, the clinical significance of this variant remains unclear.

All of Us Research Program, National Institutes of Health
Classification: Uncertain significance for Arrhythmogenic right ventricular cardiomyopathy. Last evaluated: 2024-07-29. Review status: criteria provided, single submitter. Criteria: ACMG Guidelines, 2015. Collection method: clinical testing. Allele origin: germline. Inheritance: Autosomal dominant inheritance. Observed: 3 variant alleles, 3 heterozygotes.
Comment: This missense variant replaces leucine with histidine at codon 394 of the PKP2 protein. Computational prediction is inconclusive regarding the impact of this variant on protein structure and function (internally defined REVEL score threshold 0.5 < inconclusive < 0.7, PMID: 27666373). To our knowledge, functional studies have not been reported for this variant. This variant has not been reported in individuals affected with PKP2-related disorders in the literature. This variant has been identified in 5/251080 chromosomes in the general population by the Genome Aggregation Database (gnomAD). The available evidence is insufficient to determine the role of this variant in disease conclusively. Therefore, this variant is classified as a Variant of Uncertain Significance.

This study involves interpretation of variants in research participants for the purpose of population health screening. Participant phenotype was not available at the time of variant classification. Additional details can be found in publication PMID: 35346344, PMCID: PMC8962531

Color Diagnostics, LLC DBA Color Health
Classification: Uncertain significance for Cardiomyopathy. Last evaluated: 2024-04-03. Review status: criteria provided, single submitter. Criteria: ACMG Guidelines, 2015. Collection method: clinical testing. Allele origin: germline.
Comment: This missense variant replaces leucine with histidine at codon 394 of the PKP2 protein. Computational prediction is inconclusive regarding the impact of this variant on protein structure and function. To our knowledge, functional studies have not been reported for this variant. This variant has not been reported in individuals affected with PKP2-related disorders in the literature. This variant has been identified in 5/251080 chromosomes in the general population by the Genome Aggregation Database (gnomAD). The available evidence is insufficient to determine the role of this variant in disease conclusively. Therefore, this variant is classified as a Variant of Uncertain Significance.

NM_001005242.3(PKP2):c.1181T>A (p.Leu394His)

Gene: PKP2 (plakophilin 2; minus strand). Cytogenetic location: 12p11.21.
Variant type: single nucleotide variant.
Coding change: c.1181T>A on transcript NM_001005242.3 (MANE Select); coding-DNA position 1181, T replaced by A.
Protein change: p.Leu394His; replaces leucine 394 with histidine.
Molecular consequence: missense variant.
Genome position (GRCh38, 1-based): chr12:32,850,963, A>T on the plus strand (T>A on the coding strand, the complement: PKP2 is on the minus strand). VCF-style: chr12-32850963-A-T. GRCh37 (hg19) VCF-style: chr12-33003897-A-T.
Other names: c.1181T>A, p.Leu394His (NM_004572.4); short protein forms L394H.
Identifiers: ClinVar variation 426343 (VCV000426343.13), dbSNP rs766842360, ClinGen allele CA027349.